The following is an entry in ClinVar:

ClinVar aggregate classification (germline): Pathogenic/Likely pathogenic. Review status: criteria provided, multiple submitters, no conflicts (2 of 4 stars). 4 submissions from 4 submitters: Pathogenic (1); Likely pathogenic (3). Last evaluated 2025-11-05.

Conditions:
Hypophosphatasia. Also called: Phosphoethanol-aminuria. Identifiers: Orphanet 436, MedGen C0020630, MeSH D007014, MONDO:0018570.

gnomAD v4.1: 2 of 1,613,754 alleles (0.00012%); highest among the groups gnomAD compares: Non-Finnish European, 0.000085%; no homozygotes.

Submissions (4):

Labcorp Genetics (formerly Invitae), Labcorp
Classification: Pathogenic. Last evaluated: 2025-11-05. Review status: criteria provided, single submitter. Criteria: Invitae Variant Classification Sherloc (09022015). Collection method: clinical testing. Allele origin: germline.
Comment: This sequence change replaces proline, which is neutral and non-polar, with serine, which is neutral and polar, at codon 292 of the ALPL protein (p.Pro292Ser). This variant is present in population databases (rs765458125, gnomAD 0.004%). This missense change has been observed in individual(s) with hypophosphatasia (PMID: 28127875). It has also been observed to segregate with disease in related individuals. ClinVar contains an entry for this variant (Variation ID: 2202718). Invitae Evidence Modeling of protein sequence and biophysical properties (such as structural, functional, and spatial information, amino acid conservation, physicochemical variation, residue mobility, and thermodynamic stability) indicates that this missense variant is expected to disrupt ALPL protein function with a positive predictive value of 95%. This variant disrupts the p.Pro292 amino acid residue in ALPL. Other variant(s) that disrupt this residue have been determined to be pathogenic (PMID: 15694177; internal data). This suggests that this residue is clinically significant, and that variants that disrupt this residue are likely to be disease-causing. For these reasons, this variant has been classified as Pathogenic.

Genomenon, Inc
Classification: Likely pathogenic for Hypophosphatasia. Last evaluated: 2025-08-29. Review status: criteria provided, single submitter. Criteria: Genomenon Sequence Variant Interpretation Standards. Collection method: curation. Allele origin: germline. Affected: yes.
Comment: ALPL c.874C>T is a missense variant that changes the amino acid at residue 292 from Proline to Serine. This variant has been observed in a proband affected with hypophosphatasia (PMID:28127875). The variant was found to segregate with disease in at least one affected family (PMID:28127875). It is absent or not present at a significant frequency in gnomAD. In silico models agree that this variant is possibly or probably damaging. In conclusion, we classify ALPL p.Pro292Ser (c.874C>T) as a likely pathogenic variant.

Natera, Inc.
Classification: Likely pathogenic for Hypophosphatasia. Last evaluated: 2025-06-12. Review status: criteria provided, single submitter. Criteria: Natera Variant Classification Schema (03/2026). Collection method: clinical testing. Allele origin: germline.
Comment: The c.874C>T variant in ALPL is a missense variant predicted to cause substitution of proline to serine at amino acid 292. This variant is rare in the general population with a frequency below the threshold expected for the associated phenotype(s). This variant has been observed in one or more individuals affected with the associated recessive disease, as either homozygous or compound heterozygous with a second variant (PMID: 28127875). Additionally, this variant has been observed to segregate in affected family members (PMID: 28127875). A different variant at the same position has been determined to be Pathogenic or Likely Pathogenic. Computational prediction algorithms indicate this variant is likely to affect gene or protein function. Given the available evidence, this variant is classified as Likely Pathogenic.

Women's Health and Genetics/Laboratory Corporation of America, LabCorp
Classification: Likely pathogenic for Hypophosphatasia. Last evaluated: 2023-09-22. Review status: criteria provided, single submitter. Criteria: LabCorp Variant Classification Summary - May 2015. Collection method: clinical testing. Allele origin: germline.
Comment: Variant summary: ALPL c.874C>T (p.Pro292Ser) results in a non-conservative amino acid change in the encoded protein sequence. Four of five in-silico tools predict a damaging effect of the variant on protein function. The variant allele was found at a frequency of 4e-06 in 250868 control chromosomes (gnomAD). c.874C>T has been reported in the literature as a compound heterozygous genotype in trans with a pathogenic variant in three siblings affected with perinatal autosomal recessive Hypophosphatasia and segregated with the disease phenotype in this family (Tenorio_2017). These data indicate that the variant is likely associated with disease. To our knowledge, no experimental evidence demonstrating an impact on protein function has been reported. However, other variants affecting the same amino acid (i.e. p.P292T, p.P292L) have been have classified as likely pathogenic in ClinVar and/or have been observed in individuals with Hypophosphatasia (HGMD database), suggesting Pro292 may be important for protein function. The following publication has been ascertained in the context of this evaluation (PMID: 28127875). One submitter has cited a clinical-significance assessment for this variant to ClinVar after 2014 and has classified the variant as pathogenic. Based on the evidence outlined above, the variant was classified as likely pathogenic.

Literature cited by the submitters: PubMed 28127875 (cited by 4 submitters); PubMed 15694177 (cited by Labcorp Genetics (formerly Invitae), Labcorp).

NM_000478.6(ALPL):c.874C>T (p.Pro292Ser)

Gene: ALPL (alkaline phosphatase, biomineralization associated; plus strand). Cytogenetic location: 1p36.12.
Variant type: single nucleotide variant.
Coding change: c.874C>T on transcript NM_000478.6 (MANE Select); coding-DNA position 874, C replaced by T.
Protein change: p.Pro292Ser; replaces proline 292 with serine.
Molecular consequence: missense variant.
Genome position (GRCh38, 1-based): chr1:21,573,676, C>T. VCF-style: chr1-21573676-C-T. GRCh37 (hg19) VCF-style: chr1-21900169-C-T.
Other names: c.709C>T, p.Pro237Ser (NM_001127501.4); c.643C>T, p.Pro215Ser (NM_001177520.3); c.874C>T, p.Pro292Ser (NM_001369803.2, NM_001369804.2, NM_001369805.2); c.874C>T (NM_000478.5); short protein forms P215S, P292S, P237S.
Identifiers: ClinVar variation 2202718 (VCV002202718.7), dbSNP rs765458125, ClinGen allele CA666668.